The following is an entry in ClinVar:

NM_007294.4(BRCA1):c.1893_1894insT (p.Ser632Ter)

Gene: BRCA1 (BRCA1 DNA repair associated; minus strand). Cytogenetic location: 17q21.31.
Variant type: Insertion.
Coding change: c.1893_1894insT on transcript NM_007294.4 (MANE Select); coding-DNA positions 1893 to 1894, T inserted.
Protein change: p.Ser632Ter; replaces serine 632 with a stop codon.
Molecular consequence: nonsense. On other transcripts: intron variant (137).
Genome position: GRCh38 VCF-style: chr17-43093637-T-TA. GRCh37 (hg19) VCF-style: chr17-41245654-T-TA.
Other names: 2012insT; c.1680_1681insT, p.Ser561Ter (NM_001407571.1, NM_001407853.1, NM_001407894.1 and 9 more transcripts); c.1893_1894insT, p.Ser632Ter (NM_001407581.1, NM_001407582.1, NM_001407583.1 and 30 more transcripts); c.1890_1891insT, p.Ser631Ter (NM_001407587.1, NM_001407590.1, NM_001407591.1 and 22 more transcripts); c.1884_1885insT, p.Ser629Ter (NM_001407646.1, NM_001407647.1); c.1770_1771insT, p.Ser591Ter (NM_001407648.1, NM_001407664.1, NM_001407665.1 and 19 more transcripts); c.1767_1768insT, p.Ser590Ter (NM_001407649.1, NM_001407670.1, NM_001407671.1 and 11 more transcripts); c.1815_1816insT, p.Ser606Ter (NM_001407653.1, NM_001407654.1, NM_001407655.1 and 4 more transcripts); and 41 more; short protein forms S632*, S585*, S336*, S520*, S521*, S544*, S584*, S504*.
Identifiers: ClinVar variation 125528 (VCV000125528.4), dbSNP rs80357768, ClinGen allele CA001231.

ClinVar aggregate classification (germline): Pathogenic. Review status: reviewed by expert panel (3 of 4 stars). 3 submissions from 3 submitters: Pathogenic (1). 2 of the submissions do not count toward it. Last evaluated 2016-09-08.

Conditions:
Breast-ovarian cancer, familial, susceptibility to, 1 (BROVCA1). Also called: BRCA1 Hereditary Breast and Ovarian Cancer; OVARIAN CANCER, SUSCEPTIBILITY TO. Identifiers: Orphanet 145, MedGen C2676676, MONDO:0011450, OMIM 604370. Disease mechanism: loss of function.

Submissions (3):

Evidence-based Network for the Interpretation of Germline Mutant Alleles (ENIGMA)
Classification: Pathogenic for Breast-ovarian cancer, familial, susceptibility to, 1. Last evaluated: 2016-09-08. Review status: reviewed by expert panel. Criteria: ENIGMA BRCA1/2 Classification Criteria (2015). Collection method: curation. Allele origin: germline.
Comment: Variant allele predicted to encode a truncated non-functional protein.

Consortium of Investigators of Modifiers of BRCA1/2 (CIMBA), c/o University of Cambridge
Classification: Pathogenic for Breast-ovarian cancer, familial, susceptibility to, 1. Last evaluated: 2015-10-02. Review status: criteria provided, single submitter. Criteria: CIMBA Mutation Classification guidelines May 2016. Collection method: clinical testing. Allele origin: germline. Not counted in ClinVar's aggregate classification.

Breast Cancer Information Core (BIC) (BRCA1)
Classification: Pathogenic for Breast-ovarian cancer, familial 1. Last evaluated: 1997-12-24. Review status: no assertion criteria provided. Collection method: clinical testing. Allele origin: germline. Affected: yes. Observed: 1 variant allele. Not counted in ClinVar's aggregate classification.